The following is an entry in ClinVar:

ClinVar aggregate classification (germline): Uncertain significance (1 of 4 stars; one submission).

Conditions:
Shwachman syndrome. Also called: Shwachman-Diamond Syndrome; PANCREATIC INSUFFICIENCY AND BONE MARROW DYSFUNCTION; SHWACHMAN-BODIAN SYNDROME. Identifiers: Orphanet 811, MedGen C0272170, MONDO:0009833.

gnomAD v4.1: 16 of 1,608,216 alleles (0.00099%); highest among the groups gnomAD compares: Non-Finnish European, 0.0014%; no homozygotes.

Submission:

Broad Center for Mendelian Genomics, Broad Institute of MIT and Harvard
Classification: Uncertain significance for Shwachman syndrome. Last evaluated: 2025-01-10. Review status: criteria provided, single submitter. Criteria: ACMG Guidelines, 2015. Collection method: curation. Allele origin: germline. Inheritance: Autosomal recessive inheritance.
Comment: The c.932+2T>G variant in EFL1 has been reported in 1 individual with Shwachman-Diamond syndrome (O'Shea 2023 abstract), and has been identified in 0.001% (16/1109680) of European (non-Finnish) chromosomes by the Genome Aggregation Database (gnomAD). Although this variant has been seen in the general population in a heterozygous state, its frequency is low enough to be consistent with a recessive carrier frequency. This variant is located in the 5' splice region. Computational tools predict a splicing impact, though this information is not predictive enough to determine pathogenicity. Loss of function of the EFL1 gene is strongly associated to autosomal recessive Shwachman-Diamond syndrome. Furthermore, although this gene has been reported in association with Shwachman-Diamond syndrome, it currently has moderate evidence for these associations.

NM_024580.6(EFL1):c.932+2T>G

Genes: EFL1 (elongation factor like GTPase 1; minus strand), LOC129390726 (MPRA-validated peak2402 silencer; plus strand). Cytogenetic location: 15q25.2.
Variant type: single nucleotide variant.
Coding change: c.932+2T>G on transcript NM_024580.6 (MANE Select); the canonical splice donor site of the intron after coding-DNA position 932, T replaced by G.
Molecular consequence: splice donor variant.
Genome position (GRCh38, 1-based): chr15:82,229,032, A>C on the plus strand (T>G on the coding strand, the complement: EFL1 is on the minus strand). VCF-style: chr15-82229032-A-C. GRCh37 (hg19) VCF-style: chr15-82521373-A-C.
Other names: NR_136410.2:n.1072+2T>G; c.779+2T>G (NM_001040610.3); c.143+2T>G (NM_001322844.2); c.932+2T>G (NM_001322845.2).
Identifiers: ClinVar variation 3776973 (VCV003776973.1).